The following is an entry in ClinVar:

NM_015335.5(MED13L):c.3595_3596del (p.Arg1199fs)

Gene: MED13L (mediator complex subunit 13L; minus strand). Cytogenetic location: 12q24.21.
Variant type: Microsatellite.
Coding change: c.3595_3596del on transcript NM_015335.5 (MANE Select); coding-DNA positions 3595 to 3596, 2 bases deleted (AG; older notation c.3595_3596delAG).
Protein change: p.Arg1199fs; shifts the reading frame from arginine 1199.
Molecular consequence: frameshift variant.
Genome position (GRCh38, 1-based): chr12:115,991,358-115,991,359, CT deleted on the plus strand (AG on the coding strand, the reverse complement: MED13L is on the minus strand); deleting any 2 consecutive bases within chr12:115,991,358-115,991,363 gives the same sequence; the c. name uses the placement nearest the transcript's 3' end. VCF-style (leftmost placement, unchanged base first): chr12-115991357-CCT-C. GRCh37 (hg19) VCF-style: chr12-116429162-CCT-C.
Other names: short protein forms R1199fs.
Identifiers: ClinVar variation 2285623 (VCV002285623.2), dbSNP rs2499856135, ClinGen allele CA2580614574.

ClinVar aggregate classification (germline): Pathogenic (1 of 4 stars; one submission).

Conditions:
Inborn genetic diseases. Identifiers: MedGen C0950123, MeSH D030342.

Submission:

Ambry Genetics
Classification: Pathogenic for Inborn genetic diseases. Last evaluated: 2022-05-13. Review status: criteria provided, single submitter. Criteria: Ambry Variant Classification Scheme 2023. Collection method: clinical testing. Allele origin: germline.
Comment: The c.3595_3596delAG (p.R1199Afs*50) alteration, located in exon 17 (coding exon 17) of the MED13L gene, consists of a deletion of 2 nucleotides from position 3595 to 3596, causing a translational frameshift with a predicted alternate stop codon after 50 amino acids. This alteration is expected to result in loss of function by premature protein truncation or nonsense-mediated mRNA decay. This variant was not reported in population-based cohorts in the Genome Aggregation Database (gnomAD). Based on the available evidence, this alteration is classified as pathogenic.